The following is an entry in ClinVar:

ClinVar aggregate classification (germline): Pathogenic/Likely pathogenic. Review status: criteria provided, multiple submitters, no conflicts (2 of 4 stars). 4 submissions from 4 submitters: Pathogenic (1); Likely pathogenic (2). 1 of the submissions does not count toward it. Last evaluated 2026-05-08.

Conditions:
COL7A1-related disorder. Also called: COL7A1-related condition; COL7A1- related disorders.
Epidermolysis bullosa dystrophica. Also called: Dystrophic epidermolysis bullosa, Hallopeau-Siemens type (formerly); Dystrophic epidermolysis bullosa. Identifiers: Orphanet 303, MedGen C0079294, MONDO:0006543.
Generalized dominant dystrophic epidermolysis bullosa (DDEB). Also called: Dominant DEB (DDEB); DDEB, generalized; DDEB-gen; DYSTROPHIC EPIDERMOLYSIS BULLOSA, AUTOSOMAL DOMINANT; Epidermolysis bullosa dystrophica, autosomal dominant. Identifiers: Orphanet 231568, MedGen C0432322, MONDO:0007549, OMIM 131750.

Submissions (4):

PreventionGenetics, part of Exact Sciences
Classification: Pathogenic for COL7A1-related condition. Last evaluated: 2026-05-08. Review status: criteria provided, single submitter. Criteria: ACMG Guidelines, 2015. Collection method: clinical testing. Allele origin: germline.
Comment: The COL7A1 c.6017G>A variant is predicted to result in the amino acid substitution p.Gly2006Asp. This variant has been documented in a family with autosomal dominant epidermolysis bullosa (Hammami-Hauasli et al. 1998. PubMed ID: 9668111). This variant resides in exon 73 and results in a glycine residue substitution. Glycine substitution variants in the triple helical domain (Gly-X-Y; especially in exons 73, 74, and 75) are predominant in autosomal dominant dystrophic epidermolysis bullosa (DDEB). Functional studies support its pathogenicity (Fritsch et al. 2009. PubMed ID: 19726672).  In addition, other missense changes at the same amino-acid position (p.Gly2006Ala and p.Gly2006Ser) have also been documented in individuals with autosomal dominant epidermolysis bullosa (Whittock et al. 1999. PubMed ID: 10504458; Mallipeddi et al. 2003. PubMed ID: 14616374). The c.6017G>A (p.Gly2006Asp) variant has not been reported in a large population database (gnomAD), indicating this variant is rare. In summary, this variant is interpreted as pathogenic.

Natera, Inc.
Classification: Likely pathogenic for Dystrophic epidermolysis bullosa. Last evaluated: 2025-07-11. Review status: criteria provided, single submitter. Criteria: Natera Variant Classification Schema (03/2026). Collection method: clinical testing. Allele origin: germline.
Comment: The c.6017G>A variant in COL7A1 is a missense variant predicted to cause substitution of glycine to aspartic acid at amino acid 2006. This variant is rare in the general population with a frequency below the threshold expected for the associated phenotype(s). This variant has been observed in affected individual(s) with monoallelic occurrence (heterozygous/hemizygous) (PMID: 9668111, 10084325). This variant has been identified in one or more affected individual with a phenotype highly consistent with the associated gene (PMID: 9668111). This variant is located in a functionally critical region of the protein. A different variant at the same position has been determined to be Pathogenic or Likely Pathogenic. Computational prediction algorithms indicate this variant is likely to affect gene or protein function. Given the available evidence, this variant is classified as Likely Pathogenic.

Molecular Diagnostics Laboratory, M Health Fairview: University of Minnesota
Classification: Likely pathogenic for Generalized dominant dystrophic epidermolysis bullosa. Last evaluated: 2021-01-13. Review status: criteria provided, single submitter. Criteria: ACMG Guidelines, 2015. Collection method: clinical testing. Allele origin: germline. Affected: yes.

OMIM
Classification: Pathogenic for EPIDERMOLYSIS BULLOSA DYSTROPHICA, AUTOSOMAL DOMINANT. Last evaluated: 1998-07-24. Review status: no assertion criteria provided. Collection method: literature only. Allele origin: germline. Not counted in ClinVar's aggregate classification.

Literature cited by the submitters: PubMed 9668111 (cited by 3 submitters); PubMed 10084325 (cited by Natera, Inc.); PubMed 8288900 (cited by Molecular Diagnostics Laboratory, M Health Fairview: University of Minnesota and OMIM).

NM_000094.4(COL7A1):c.6017G>A (p.Gly2006Asp)

Gene: COL7A1 (collagen type VII alpha 1 chain; minus strand). Cytogenetic location: 3p21.31.
Variant type: single nucleotide variant.
Coding change: c.6017G>A on transcript NM_000094.4 (MANE Select); coding-DNA position 6017, G replaced by A.
Protein change: p.Gly2006Asp; replaces glycine 2006 with aspartic acid.
Molecular consequence: missense variant.
Genome position (GRCh38, 1-based): chr3:48,575,502, C>T on the plus strand (G>A on the coding strand, the complement: COL7A1 is on the minus strand). VCF-style: chr3-48575502-C-T. GRCh37 (hg19) VCF-style: chr3-48612935-C-T.
Other names: short protein forms G2006D.
Identifiers: ClinVar variation 17448 (VCV000017448.6), dbSNP rs121912842, ClinGen allele CA257948.